The following is an entry in ClinVar:

NM_001783.4(CD79A):c.188A>T (p.Asn63Ile)

Genes: CD79A (CD79a molecule; plus strand), RPS19-CD79A (RPS19-CD79A readthrough; plus strand). Cytogenetic location: 19q13.2.
Variant type: single nucleotide variant.
Coding change: c.188A>T on transcript NM_001783.4 (MANE Select); coding-DNA position 188, A replaced by T.
Protein change: p.Asn63Ile; replaces asparagine 63 with isoleucine.
Molecular consequence: missense variant.
Genome position (GRCh38, 1-based): chr19:41,879,098, A>T. VCF-style: chr19-41879098-A-T. GRCh37 (hg19) VCF-style: chr19-42383168-A-T.
Other names: c.188A>T, p.Asn63Ile (NM_021601.4); short protein forms N63I.
Identifiers: ClinVar variation 1938528 (VCV001938528.5), dbSNP rs151224661, ClinGen allele CA406034302.
Genomic context (GRCh38, chr19:41,879,098, plus strand): 5'-TGGTGAGCCTGGGGGAAGACGCCCACTTCCAATGCCCGCACAATAGCAGCAACAACGCCA[A>T]CGTCACCTGGTGGCGCGTCCTCCATGGCAACTACACGTGGCCCCCTGAGTTCTTGGGCCC-3'
Protein context (NP_001774.1, residues 53-73): QCPHNSSNNA[Asn63Ile]VTWWRVLHGN

ClinVar aggregate classification (germline): Uncertain significance (1 of 4 stars; one submission).

Conditions:
Agammaglobulinemia 3, autosomal recessive (AGM3). Also called: AGAMMAGLOBULINEMIA 3; AGAMMAGLOBULINEMIA, AUTOSOMAL RECESSIVE, DUE TO CD79A DEFECT. Identifiers: MedGen C3150751, MONDO:0013288, OMIM 613501.

gnomAD v4.1: 14 of 1,613,878 alleles (0.00087%); highest among the groups gnomAD compares: South Asian, 0.0088%; no homozygotes.

Submission:

Labcorp Genetics (formerly Invitae), Labcorp
Classification: Uncertain significance for Agammaglobulinemia 3, autosomal recessive. Last evaluated: 2022-06-22. Review status: criteria provided, single submitter. Criteria: Invitae Variant Classification Sherloc (09022015). Collection method: clinical testing. Allele origin: germline.
Comment: In summary, the available evidence is currently insufficient to determine the role of this variant in disease. Therefore, it has been classified as a Variant of Uncertain Significance. Algorithms developed to predict the effect of missense changes on protein structure and function are either unavailable or do not agree on the potential impact of this missense change (SIFT: "Deleterious"; PolyPhen-2: "Possibly Damaging"; Align-GVGD: "Class C15"). This variant has not been reported in the literature in individuals affected with CD79A-related conditions. This variant is present in population databases (no rsID available, gnomAD 0.01%). This sequence change replaces asparagine, which is neutral and polar, with isoleucine, which is neutral and non-polar, at codon 63 of the CD79A protein (p.Asn63Ile).